The following is an entry in ClinVar:

NM_001625.4(AK2):c.597_599dup (p.Tyr200Ter)

Gene: AK2 (adenylate kinase 2; minus strand). Cytogenetic location: 1p35.1.
Variant type: Duplication.
Coding change: c.597_599dup on transcript NM_001625.4 (MANE Select); coding-DNA positions 597 to 599, 3 bases duplicated (GTA; older notation c.597_599dupGTA).
Protein change: p.Tyr200Ter; replaces tyrosine 200 with a stop codon.
Molecular consequence: nonsense. On other transcripts: 3 prime UTR variant (1), non-coding transcript variant (1).
Genome position (GRCh38, 1-based): chr1:33,013,302-33,013,304, TAC duplicated on the plus strand (GTA on the coding strand, the reverse complement: AK2 is on the minus strand); duplicating any 3 consecutive bases within chr1:33,013,302-33,013,305 gives the same sequence; the c. name uses the placement nearest the transcript's 3' end. VCF-style (leftmost placement, unchanged base first): chr1-33013301-G-GTAC. GRCh37 (hg19) VCF-style: chr1-33478902-G-GTAC.
Other names: c.573_575dup, p.Tyr192Ter (NM_001199199.3); c.453_455dup, p.Tyr152Ter (NM_001319139.3, NM_001319140.2); c.597_599dup, p.Tyr200Ter (NM_001319141.3, NM_013411.5); c.471_473dup, p.Tyr158Ter (NM_001319142.3); c.*100_*102dup (NM_001319143.2); short protein forms Y158*, Y192*, Y200*, Y152*.
Identifiers: ClinVar variation 1379433 (VCV001379433.6), dbSNP rs2124279569, ClinGen allele CA2573132235.

ClinVar aggregate classification (germline): Pathogenic (1 of 4 stars; one submission).

Conditions:
Reticular dysgenesis. Also called: DeVaal disease; ALEUKOCYTOSIS; CONGENITAL ALEUKIA; HEMATOPOIETIC HYPOPLASIA, GENERALIZED; RETICULAR DYSGENESIA; SEVERE COMBINED IMMUNODEFICIENCY WITH LEUKOPENIA. Identifiers: Orphanet 33355, MedGen C0272167, MONDO:0009973, OMIM 267500.

Submission:

Labcorp Genetics (formerly Invitae), Labcorp
Classification: Pathogenic for Reticular dysgenesis. Last evaluated: 2022-10-24. Review status: criteria provided, single submitter. Criteria: Invitae Variant Classification Sherloc (09022015). Collection method: clinical testing. Allele origin: germline.
Comment: This sequence change creates a premature translational stop signal (p.Tyr200*) in the AK2 gene. While this is not anticipated to result in nonsense mediated decay, it is expected to disrupt the last 40 amino acid(s) of the AK2 protein. This variant is not present in population databases (gnomAD no frequency). This variant has not been reported in the literature in individuals affected with AK2-related conditions. ClinVar contains an entry for this variant (Variation ID: 1379433). This variant disrupts a region of the AK2 protein in which other variant(s) (p.Gly205Aspfs*28) have been determined to be pathogenic (PMID: 19414857). This suggests that this is a clinically significant region of the protein, and that variants that disrupt it are likely to be disease-causing. For these reasons, this variant has been classified as Pathogenic.

Literature cited by the submitters: PubMed 19414857.